The following is an entry in ClinVar:

ClinVar aggregate classification (germline): Uncertain significance. Review status: criteria provided, multiple submitters, no conflicts (2 of 4 stars). 2 submissions from 2 submitters: Uncertain significance (2). Last evaluated 2025-10-15.

Conditions:
Inborn genetic diseases. Identifiers: MedGen C0950123, MeSH D030342.
Familial cold autoinflammatory syndrome 2 (FCAS2). Identifiers: Orphanet 247868, MedGen C2673198, MONDO:0012724, OMIM 611762.

gnomAD v4.1: 2 of 1,613,758 alleles (0.00012%); highest among the groups gnomAD compares: Non-Finnish European, 0.00017%; no homozygotes.

Submissions (2):

Ambry Genetics
Classification: Uncertain significance for Inborn genetic diseases. Last evaluated: 2025-10-15. Review status: criteria provided, single submitter. Criteria: Ambry Variant Classification Scheme 2023. Collection method: clinical testing. Allele origin: germline.

Labcorp Genetics (formerly Invitae), Labcorp
Classification: Uncertain significance for Familial cold autoinflammatory syndrome 2. Last evaluated: 2024-09-16. Review status: criteria provided, single submitter. Criteria: Invitae Variant Classification Sherloc (09022015). Collection method: clinical testing. Allele origin: germline.
Comment: This sequence change replaces methionine, which is neutral and non-polar, with valine, which is neutral and non-polar, at codon 215 of the NLRP12 protein (p.Met215Val). This variant is not present in population databases (gnomAD no frequency). This variant has not been reported in the literature in individuals affected with NLRP12-related conditions. Invitae Evidence Modeling of protein sequence and biophysical properties (such as structural, functional, and spatial information, amino acid conservation, physicochemical variation, residue mobility, and thermodynamic stability) indicates that this missense variant is not expected to disrupt NLRP12 protein function with a negative predictive value of 80%. In summary, the available evidence is currently insufficient to determine the role of this variant in disease. Therefore, it has been classified as a Variant of Uncertain Significance.

NM_144687.4(NLRP12):c.643A>G (p.Met215Val)

Gene: NLRP12 (NLR family pyrin domain containing 12; minus strand). Cytogenetic location: 19q13.42.
Variant type: single nucleotide variant.
Coding change: c.643A>G on transcript NM_144687.4 (MANE Select); coding-DNA position 643, A replaced by G.
Protein change: p.Met215Val; replaces methionine 215 with valine.
Molecular consequence: missense variant.
Genome position (GRCh38, 1-based): chr19:53,811,016, T>C on the plus strand (A>G on the coding strand, the complement: NLRP12 is on the minus strand). VCF-style: chr19-53811016-T-C. GRCh37 (hg19) VCF-style: chr19-54314270-T-C.
Other names: c.643A>G, p.Met215Val (NM_001277126.2, NM_001277129.1); c.643A>G (NM_144687.2); short protein forms M215V.
Identifiers: ClinVar variation 3687172 (VCV003687172.3).